The following is an entry in ClinVar:

ClinVar aggregate classification (germline): Uncertain significance (1 of 4 stars; one submission).

Submission:

GeneDx
Classification: Uncertain significance. Last evaluated: 2025-08-11. Review status: criteria provided, single submitter. Criteria: GeneDx Variant Classification Process June 2021. Collection method: clinical testing. Allele origin: germline. Affected: yes.
Comment: Not observed at significant frequency in large population cohorts (gnomAD); In silico analysis suggests that this missense variant does not alter protein structure/function; Has not been previously published as pathogenic or benign to our knowledge

NM_001378120.1(MBD5):c.4646A>G (p.Glu1549Gly)

Gene: MBD5 (methyl-CpG binding domain protein 5; plus strand). Cytogenetic location: 2q23.1.
Variant type: single nucleotide variant.
Coding change: c.4646A>G on transcript NM_001378120.1 (MANE Select); coding-DNA position 4646, A replaced by G.
Protein change: p.Glu1549Gly; replaces glutamic acid 1549 with glycine.
Molecular consequence: missense variant.
Genome position (GRCh38, 1-based): chr2:148,490,278, A>G. VCF-style: chr2-148490278-A-G. GRCh37 (hg19) VCF-style: chr2-149247847-A-G.
Other names: c.4646A>G, p.Glu1549Gly (NM_001438854.1, NM_001438856.1, NM_001438857.1 and 1 more transcripts); c.3947A>G, p.Glu1316Gly (NM_001438855.1, NM_001438859.1, NM_001438860.1 and 3 more transcripts); short protein forms E1549G, E1316G.
Identifiers: ClinVar variation 4795369 (VCV004795369.1).